The following is an entry in ClinVar:

NM_032119.4(ADGRV1):c.2483T>C (p.Val828Ala)

Gene: ADGRV1 (adhesion G protein-coupled receptor V1; plus strand). Cytogenetic location: 5q14.3.
Variant type: single nucleotide variant.
Coding change: c.2483T>C on transcript NM_032119.4 (MANE Select); coding-DNA position 2483, T replaced by C.
Protein change: p.Val828Ala; replaces valine 828 with alanine.
Molecular consequence: missense variant. On other transcripts: non-coding transcript variant (1).
Genome position (GRCh38, 1-based): chr5:90,642,971, T>C. VCF-style: chr5-90642971-T-C. GRCh37 (hg19) VCF-style: chr5-89938788-T-C.
Other names: c.2483T>C (NM_032119.3); short protein forms V828A.
Identifiers: ClinVar variation 1021988 (VCV001021988.11), dbSNP rs757135353, ClinGen allele CA3338945.

ClinVar aggregate classification (germline): Conflicting classifications of pathogenicity. Review status: criteria provided, conflicting classifications (1 of 4 stars). 5 submissions from 5 submitters: Uncertain significance (4); Likely benign (1). Last evaluated 2025-08-30.

Conditions:
Inborn genetic diseases. Identifiers: MedGen C0950123, MeSH D030342.
Usher syndrome type 2C. Also called: Usher syndrome, type 2B; USHER SYNDROME, TYPE IIC. Identifiers: Orphanet 231178, Orphanet 886, MedGen C2931213, MONDO:0011558, OMIM 605472.
Febrile seizures, familial, 4 (FEB4). Also called: CONVULSIONS, FAMILIAL FEBRILE, 4. Identifiers: MedGen C1858493, MONDO:0011443, OMIM 604352.

Allele frequency attached by ClinVar (database versions not stated): ExAC 0.00003; gnomAD 0.00007 and 0.00008; gnomAD exomes 0.00007 and 0.00004; TOPMed 0.00006.
gnomAD v4.1: 107 of 1,613,270 alleles (0.0066%); highest among the groups gnomAD compares: Non-Finnish European, 0.0086%; no homozygotes.

Submissions (5):

Labcorp Genetics (formerly Invitae), Labcorp
Classification: Likely benign. Last evaluated: 2025-08-30. Review status: criteria provided, single submitter. Criteria: Invitae Variant Classification Sherloc (09022015). Collection method: clinical testing. Allele origin: germline.

GeneDx
Classification: Uncertain significance. Last evaluated: 2023-12-26. Review status: criteria provided, single submitter. Criteria: GeneDx Variant Classification Process June 2021. Collection method: clinical testing. Allele origin: germline. Affected: yes.
Comment: In silico analysis supports that this missense variant does not alter protein structure/function; Has not been previously published as pathogenic or benign to our knowledge

Ambry Genetics
Classification: Uncertain significance for Inborn genetic diseases. Last evaluated: 2023-12-17. Review status: criteria provided, single submitter. Criteria: Ambry Variant Classification Scheme 2023. Collection method: clinical testing. Allele origin: germline.

Blueprint Genetics
Classification: Uncertain significance. Last evaluated: 2023-09-01. Review status: criteria provided, single submitter. Criteria: ACMG Guidelines, 2015. Collection method: clinical testing. Allele origin: germline.

Fulgent Genetics
Classification: Uncertain significance for Febrile seizures, familial, 4; Usher syndrome type 2C. Last evaluated: 2021-12-02. Review status: criteria provided, single submitter. Criteria: ACMG Guidelines, 2015. Collection method: clinical testing. Allele origin: unknown.